The following is an entry in ClinVar:

NM_001354604.2(MITF):c.1313A>G (p.His438Arg)

Gene: MITF (melanocyte inducing transcription factor; plus strand). Cytogenetic location: 3p13.
Variant type: single nucleotide variant.
Coding change: c.1313A>G on transcript NM_001354604.2 (MANE Select); coding-DNA position 1313, A replaced by G.
Protein change: p.His438Arg; replaces histidine 438 with arginine.
Molecular consequence: missense variant.
Genome position (GRCh38, 1-based): chr3:69,964,980, A>G. VCF-style: chr3-69964980-A-G. GRCh37 (hg19) VCF-style: chr3-70014131-A-G.
Other names: c.992A>G, p.His331Arg (NM_000248.4); c.1139A>G, p.His380Arg (NM_001184967.2, NM_001354608.2); c.1310A>G, p.His437Arg (NM_001354605.2); c.1292A>G, p.His431Arg (NM_001354606.2, NM_006722.3); c.1244A>G, p.His415Arg (NM_001354607.2); c.974A>G, p.His325Arg (NM_198158.3); c.1295A>G, p.His432Arg (NM_198159.3); c.1247A>G, p.His416Arg (NM_198177.3); and 1 more; short protein forms H269R, H380R, H331R, H438R, H325R, H431R, H415R, H416R.
Identifiers: ClinVar variation 2949960 (VCV002949960.3), dbSNP rs1342117854, ClinGen allele CA353559587.

ClinVar aggregate classification (germline): Uncertain significance (1 of 4 stars; one submission).

Conditions:
Melanoma, cutaneous malignant, susceptibility to, 8. Also called: MELANOMA AND RENAL CELL CARCINOMA, SUSCEPTIBILITY TO; Cutaneous malignant melanoma 8. Identifiers: Orphanet 293822, MedGen C3152204, MONDO:0013759, OMIM 614456.
Tietz syndrome (TADS). Also called: ALBINISM-DEAFNESS OF TIETZ; HYPOPIGMENTATION/DEAFNESS OF TIETZ; TIETZ ALBINISM-DEAFNESS SYNDROME. Identifiers: Orphanet 42665, MedGen C0391816, MONDO:0007077, OMIM 103500.
Waardenburg syndrome type 2A (WS2A). Also called: WAARDENBURG SYNDROME WITHOUT DYSTOPIA CANTHORUM. Identifiers: Orphanet 3440, MedGen C1860339, MONDO:0008671, OMIM 193510.

gnomAD v4.1: 5 of 1,614,144 alleles (0.00031%); highest among the groups gnomAD compares: Non-Finnish European, 0.00042%; no homozygotes.

Submission:

Labcorp Genetics (formerly Invitae), Labcorp
Classification: Uncertain significance for Melanoma, cutaneous malignant, susceptibility to, 8; Waardenburg syndrome type 2A; Tietz syndrome. Last evaluated: 2023-07-17. Review status: criteria provided, single submitter. Criteria: Invitae Variant Classification Sherloc (09022015). Collection method: clinical testing. Allele origin: germline.
Comment: In summary, the available evidence is currently insufficient to determine the role of this variant in disease. Therefore, it has been classified as a Variant of Uncertain Significance. Advanced modeling of protein sequence and biophysical properties (such as structural, functional, and spatial information, amino acid conservation, physicochemical variation, residue mobility, and thermodynamic stability) performed at Invitae indicates that this missense variant is not expected to disrupt MITF protein function. This variant has not been reported in the literature in individuals affected with MITF-related conditions. This variant is present in population databases (no rsID available, gnomAD 0.0009%). This sequence change replaces histidine, which is basic and polar, with arginine, which is basic and polar, at codon 331 of the MITF protein (p.His331Arg).